The following is an entry in ClinVar:

ClinVar aggregate classification (germline): Uncertain significance (1 of 4 stars; one submission).

Conditions:
Paget disease of bone 2, early-onset (PDB2). Also called: Paget disease of bone 2. Identifiers: MedGen C4085251, MONDO:0011183, OMIM 602080.
Frontotemporal dementia and/or amyotrophic lateral sclerosis 1 (FTDALS1). Also called: Frontotemporal dementia with motor neuron disease 1; C9orf72 Frontotemporal Dementia and/or Amyotrophic Lateral Sclerosis. Identifiers: Orphanet 275872, MedGen C5779877, MONDO:0007105, OMIM 105550.

Submission:

Labcorp Genetics (formerly Invitae), Labcorp
Classification: Uncertain significance for Paget disease of bone 2, early-onset; Frontotemporal dementia and/or amyotrophic lateral sclerosis 1. Last evaluated: 2022-07-11. Review status: criteria provided, single submitter. Criteria: Invitae Variant Classification Sherloc (09022015). Collection method: clinical testing. Allele origin: germline.
Comment: In summary, the available evidence is currently insufficient to determine the role of this variant in disease. Therefore, it has been classified as a Variant of Uncertain Significance. Algorithms developed to predict the effect of missense changes on protein structure and function are either unavailable or do not agree on the potential impact of this missense change (SIFT: "Tolerated"; PolyPhen-2: "Possibly Damaging"; Align-GVGD: "Class C0"). ClinVar contains an entry for this variant (Variation ID: 1506969). This variant has not been reported in the literature in individuals affected with SQSTM1-related conditions. This variant is not present in population databases (gnomAD no frequency). This sequence change replaces tyrosine, which is neutral and polar, with histidine, which is basic and polar, at codon 433 of the SQSTM1 protein (p.Tyr433His).

NM_003900.5(SQSTM1):c.1297T>C (p.Tyr433His)

Gene: SQSTM1 (sequestosome 1; plus strand). Cytogenetic location: 5q35.3.
Variant type: single nucleotide variant.
Coding change: c.1297T>C on transcript NM_003900.5 (MANE Select); coding-DNA position 1297, T replaced by C.
Protein change: p.Tyr433His; replaces tyrosine 433 with histidine.
Molecular consequence: missense variant.
Genome position (GRCh38, 1-based): chr5:179,836,567, T>C. VCF-style: chr5-179836567-T-C. GRCh37 (hg19) VCF-style: chr5-179263567-T-C.
Other names: c.1045T>C, p.Tyr349His (NM_001142298.2, NM_001142299.2); short protein forms Y349H, Y433H.
Identifiers: ClinVar variation 1506969 (VCV001506969.6), dbSNP rs2113524577, ClinGen allele CA362454443.
Genomic context (GRCh38, chr5:179,836,567, plus strand): 5'-CTCACCAGGCTCCTGCAGACCAAGAACTATGACATCGGAGCGGCTCTGGACACCATCCAG[T>C]ATTCAAAGCATCCCCCGCCGTTGTGACCACTTTTGCCCACCTCTTCTGCGTGCCCCTCTT-3'
Protein context (NP_003891.1, residues 423-440): DIGAALDTIQ[Tyr433His]SKHPPPL